The following is an entry in ClinVar:

NM_000260.4(MYO7A):c.2097C>T (p.Gly699=)

Gene: MYO7A (myosin VIIA; plus strand). Cytogenetic location: 11q13.5.
Variant type: single nucleotide variant.
Coding change: c.2097C>T on transcript NM_000260.4 (MANE Select); coding-DNA position 2097, C replaced by T.
Protein change: p.Gly699=; no amino-acid change (glycine 699 retained).
Molecular consequence: synonymous variant.
Genome position (GRCh38, 1-based): chr11:77,175,374, C>T. VCF-style: chr11-77175374-C-T. GRCh37 (hg19) VCF-style: chr11-76886420-C-T.
Other names: c.2097C>T (NM_000260.3); c.2097C>T, p.Gly699= (NM_001127180.2); c.2064C>T, p.Gly688= (NM_001369365.1).
Identifiers: ClinVar variation 497897 (VCV000497897.21), dbSNP rs373495082, ClinGen allele CA6197702.
Genomic context (GRCh38, chr11:77,175,374, plus strand): 5'-GGAGGCCTTCCCACTGGAGAGGCTGTCCATTCCCTTGTGTTCCCCATCCTCACTCCAGGG[C>T]GACCTCCGCGGGACTTGCCAGCGCATGGCTGAGGCTGTGCTGGGCACCCACGATGACTGG-3'
Protein context (NP_000251.3, residues 689-709): LPGVKPAYKQ[Gly699=]DLRGTCQRMA

ClinVar aggregate classification (germline): Conflicting classifications of pathogenicity. Review status: criteria provided, conflicting classifications (1 of 4 stars). 7 submissions from 7 submitters: Uncertain significance (2); Likely benign (3). 2 of the submissions do not count toward it. Last evaluated 2026-01-12.

Conditions:
Usher syndrome type 1B (USH1B). Also called: Usher syndrome type IB. Identifiers: MedGen C1848638, MONDO:0700087.
MYO7A-related disorder. Also called: MYO7A-related disorders.

Allele frequency attached by ClinVar (database versions not stated): ExAC 0.00013; 1000 Genomes Project 0.00020; 1000 Genomes Project 30x 0.00031; gnomAD 0.00042 and 0.00046; TOPMed 0.00045; ESP Exome Variant Server 0.00072.
gnomAD v4.1: 132 of 1,612,984 alleles (0.0082%); highest among the groups gnomAD compares: African/African-American, 0.15%; no homozygotes.

Submissions (7):

Labcorp Genetics (formerly Invitae), Labcorp
Classification: Likely benign. Last evaluated: 2026-01-12. Review status: criteria provided, single submitter. Criteria: Invitae Variant Classification Sherloc (09022015). Collection method: clinical testing. Allele origin: germline.

Women's Health and Genetics/Laboratory Corporation of America, LabCorp
Classification: Uncertain significance. Last evaluated: 2024-07-30. Review status: criteria provided, single submitter. Criteria: LabCorp Variant Classification Summary - May 2015. Collection method: clinical testing. Allele origin: germline.
Comment: Variant summary: MYO7A c.2097C>T (p.Gly699Gly) alters a non-conserved nucleotide located close to a canonical splice site and therefore could affect mRNA splicing, leading to a significantly altered protein sequence. The variant allele was found at a frequency of 8.1e-05 in 248342 control chromosomes. This frequency is not significantly higher than estimated for a pathogenic variant in MYO7A causing Usher Syndrome (8.1e-05 vs 0.0061), allowing no conclusion about variant significance. To our knowledge, no occurrence of c.2097C>T in individuals affected with Usher Syndrome and no experimental evidence demonstrating its impact on protein function have been reported. ClinVar contains an entry for this variant (Variation ID: 497897). Based on the evidence outlined above, the variant was classified as uncertain significance.

Blueprint Genetics
Classification: Likely benign. Last evaluated: 2023-01-03. Review status: criteria provided, single submitter. Criteria: ACMG Guidelines, 2015. Collection method: clinical testing. Allele origin: germline.

GeneDx
Classification: Likely benign. Last evaluated: 2021-03-16. Review status: criteria provided, single submitter. Criteria: GeneDx Variant Classification Process June 2021. Collection method: clinical testing. Allele origin: germline. Affected: yes.

Eurofins Ntd Llc (ga)
Classification: Uncertain significance. Last evaluated: 2016-11-01. Review status: criteria provided, single submitter. Criteria: EGL Classification Definitions 2015. Collection method: clinical testing. Allele origin: germline. Observed: 1 variant allele, 1 heterozygote.

PreventionGenetics, part of Exact Sciences
Classification: Likely benign for MYO7A-related condition. Last evaluated: 2024-07-22. Review status: no assertion criteria provided. Collection method: clinical testing. Allele origin: germline. Not counted in ClinVar's aggregate classification.
Comment: This variant is classified as likely benign based on ACMG/AMP sequence variant interpretation guidelines (Richards et al. 2015 PMID: 25741868, with internal and published modifications).

Natera, Inc.
Classification: Uncertain significance for Usher syndrome type 1B. Last evaluated: 2020-04-16. Review status: no assertion criteria provided. Collection method: clinical testing. Allele origin: germline. Not counted in ClinVar's aggregate classification.